The following is an entry in ClinVar:

NM_001267550.2(TTN):c.27169A>G (p.Ser9057Gly)

Gene: TTN (titin; minus strand). Cytogenetic location: 2q31.2.
Variant type: single nucleotide variant.
Coding change: c.27169A>G on transcript NM_001267550.2 (MANE Select); coding-DNA position 27169, A replaced by G.
Protein change: p.Ser9057Gly; replaces serine 9057 with glycine.
Molecular consequence: missense variant. On other transcripts: intron variant (3).
Genome position (GRCh38, 1-based): chr2:178,712,856, T>C on the plus strand (A>G on the coding strand, the complement: TTN is on the minus strand). VCF-style: chr2-178712856-T-C. GRCh37 (hg19) VCF-style: chr2-179577583-T-C.
Other names: c.26218A>G, p.Ser8740Gly (NM_001256850.1); c.23437A>G, p.Ser7813Gly (NM_133378.4); c.13282+25226A>G (NM_003319.4); c.13858+25226A>G (NM_133437.4); c.13657+25226A>G (NM_133432.3); short protein forms S7813G, S8740G, S9057G.
Identifiers: ClinVar variation 928749 (VCV000928749.1), dbSNP rs1472858886, ClinGen allele CA349456516.
Genomic context (GRCh38, chr2:178,712,856, plus strand): 5'-CCAGTTCAGCAACTGAATCCTCCAAAGACACGTTGCATCTGTCACCTGGTACTAGTTCAC[T>C]GCTACCTTTGAACCAGCTAACACTGAAAGGAGGTGTTCCTTTTACGATACTTGTGAAAGT-3'
Protein context (NP_001254479.2, residues 9047-9067): PFSVSWFKGS[Ser9057Gly]ELVPGDRCNV

ClinVar aggregate classification (germline): Uncertain significance (1 of 4 stars; one submission).

Allele frequency attached by ClinVar (database versions not stated): TOPMed below 0.00001.
gnomAD v4.1: 7 of 1,613,800 alleles (0.00043%); highest among the groups gnomAD compares: Non-Finnish European, 0.00059%; no homozygotes.

Submission:

Women's Health and Genetics/Laboratory Corporation of America, LabCorp
Classification: Uncertain significance. Last evaluated: 2019-11-05. Review status: criteria provided, single submitter. Criteria: LabCorp Variant Classification Summary - May 2015. Collection method: clinical testing. Allele origin: germline.
Comment: Variant summary: TTN c.23437A>G (p.Ser7813Gly) results in a non-conservative amino acid change located in the I-band region of the encoded protein sequence. Two of four in-silico tools predict a benign effect of the variant on protein function. The variant was absent in 248386 control chromosomes. The available data on variant occurrences in the general population are insufficient to allow any conclusion about variant significance. To our knowledge, no occurrence of c.23437A>G in individuals affected with Cardiomyopathy and no experimental evidence demonstrating its impact on protein function have been reported. No clinical diagnostic laboratories have submitted clinical-significance assessments for this variant to ClinVar after 2014. Based on the evidence outlined above, the variant was classified as uncertain significance.